The following is an entry in ClinVar:

NM_201596.3(CACNB2):c.1769A>C (p.His590Pro)

Gene: CACNB2 (calcium voltage-gated channel auxiliary subunit beta 2; plus strand). Cytogenetic location: 10p12.31.
Variant type: single nucleotide variant.
Coding change: c.1769A>C on transcript NM_201596.3 (MANE Select); coding-DNA position 1769, A replaced by C.
Protein change: p.His590Pro; replaces histidine 590 with proline.
Molecular consequence: missense variant.
Genome position (GRCh38, 1-based): chr10:18,539,510, A>C. VCF-style: chr10-18539510-A-C. GRCh37 (hg19) VCF-style: chr10-18828439-A-C.
Other names: c.1604A>C, p.His535Pro (NM_000724.4); c.1571A>C, p.His524Pro (NM_001167945.2); c.1490A>C, p.His497Pro (NM_001330060.2); c.1625A>C, p.His542Pro (NM_201570.3); c.1685A>C, p.His562Pro (NM_201571.4); c.1613A>C, p.His538Pro (NM_201572.4); c.1607A>C, p.His536Pro (NM_201590.3); c.1655A>C, p.His552Pro (NM_201593.3); and 1 more; short protein forms H497P, H524P, H535P, H536P, H538P, H542P, H552P, H562P.
Identifiers: ClinVar variation 1054814 (VCV001054814.7), dbSNP rs2053936892, ClinGen allele CA376072111.

ClinVar aggregate classification (germline): Uncertain significance (1 of 4 stars; one submission).

Conditions:
Brugada syndrome 4 (BRGDA4). Identifiers: Orphanet 130, MedGen C2678477, MONDO:0012743, OMIM 611876.

Allele frequency attached by ClinVar (database versions not stated): TOPMed 0.00001; gnomAD 0.00002.
gnomAD v4.1: 3 of 1,613,784 alleles (0.00019%); highest among the groups gnomAD compares: Admixed American, 0.005%; no homozygotes.

Submission:

Labcorp Genetics (formerly Invitae), Labcorp
Classification: Uncertain significance for Brugada syndrome 4. Last evaluated: 2022-03-09. Review status: criteria provided, single submitter. Criteria: Invitae Variant Classification Sherloc (09022015). Collection method: clinical testing. Allele origin: germline.
Comment: In summary, the available evidence is currently insufficient to determine the role of this variant in disease. Therefore, it has been classified as a Variant of Uncertain Significance. Algorithms developed to predict the effect of missense changes on protein structure and function are either unavailable or do not agree on the potential impact of this missense change (SIFT: "Deleterious"; PolyPhen-2: "Probably Damaging"; Align-GVGD: "Class C0"). ClinVar contains an entry for this variant (Variation ID: 1054814). This variant has not been reported in the literature in individuals affected with CACNB2-related conditions. This variant is not present in population databases (gnomAD no frequency). This sequence change replaces histidine, which is basic and polar, with proline, which is neutral and non-polar, at codon 536 of the CACNB2 protein (p.His536Pro).